The following is an entry in ClinVar:

NM_015178.3(RHOBTB2):c.1426del (p.Gln476fs)

Gene: RHOBTB2 (Rho related BTB domain containing 2; plus strand). Cytogenetic location: 8p21.3.
Variant type: Deletion.
Coding change: c.1426del on transcript NM_015178.3 (MANE Select); coding-DNA position 1426, one base deleted (C; older notation c.1426delC).
Protein change: p.Gln476fs; shifts the reading frame from glutamine 476.
Molecular consequence: frameshift variant.
Genome position (GRCh38, 1-based): chr8:23,007,671, C deleted; the last of 2 consecutive C bases (chr8:23,007,670-23,007,671); deleting either gives the same sequence. VCF-style (leftmost placement, unchanged base first): chr8-23007669-AC-A. GRCh37 (hg19) VCF-style: chr8-22865182-AC-A.
Other names: c.1492del, p.Gln498fs (NM_001160036.2); c.1447del, p.Gln483fs (NM_001160037.2); c.1426del, p.Gln476fs (NM_001374791.1); short protein forms Q476fs, Q483fs, Q498fs.
Identifiers: ClinVar variation 2799251 (VCV002799251.3), dbSNP rs2487014291, ClinGen allele CA2739279240.
Genomic context (GRCh38, chr8:23,007,669, plus strand): 5'-TCGAGGTCTTTGATCTGCGCATGATGGTGGCCAACATTCTCAACAATGAGGCCTTCATGA[AC>A]CAGGAGATCACCAAGGCCTTCCACGTCCGCCGGACCAACCGGGTTAAGGAGTGCTTGGCA-3'

ClinVar aggregate classification (germline): Uncertain significance (1 of 4 stars; one submission).

Submission:

Labcorp Genetics (formerly Invitae), Labcorp
Classification: Uncertain significance. Last evaluated: 2022-11-12. Review status: criteria provided, single submitter. Criteria: Invitae Variant Classification Sherloc (09022015). Collection method: clinical testing. Allele origin: germline.
Comment: In summary, the available evidence is currently insufficient to determine the role of this variant in disease. Therefore, it has been classified as a Variant of Uncertain Significance. This variant has not been reported in the literature in individuals affected with RHOBTB2-related conditions. This variant is not present in population databases (gnomAD no frequency). This sequence change creates a premature translational stop signal (p.Gln498Argfs*27) in the RHOBTB2 gene. It is expected to result in an absent or disrupted protein product. However, the current clinical and genetic evidence is not sufficient to establish whether loss-of-function variants in RHOBTB2 cause disease.